The following is an entry in ClinVar:

NM_006790.3(MYOT):c.1418T>C (p.Val473Ala)

Genes: PKD2L2-DT (PKD2L2 divergent transcript; minus strand), MYOT (myotilin; plus strand). Cytogenetic location: 5q31.2.
Variant type: single nucleotide variant.
Coding change: c.1418T>C on transcript NM_006790.3 (MANE Select); coding-DNA position 1418, T replaced by C.
Protein change: p.Val473Ala; replaces valine 473 with alanine.
Molecular consequence: missense variant.
Genome position (GRCh38, 1-based): chr5:137,887,306, T>C. VCF-style: chr5-137887306-T-C. GRCh37 (hg19) VCF-style: chr5-137222995-T-C.
Other names: c.866T>C, p.Val289Ala (NM_001135940.2); c.1073T>C, p.Val358Ala (NM_001300911.2); short protein forms V473A, V289A, V358A.
Identifiers: ClinVar variation 847336 (VCV000847336.12), dbSNP rs748921791, ClinGen allele CA3423199.

ClinVar aggregate classification (germline): Uncertain significance. Review status: criteria provided, multiple submitters, no conflicts (2 of 4 stars). 2 submissions from 2 submitters: Uncertain significance (2). Last evaluated 2019-06-17.

Conditions:
Myofibrillar myopathy 3 (MFM3). Also called: Muscular dystrophy, proximal, type 1A; Autosomal dominant spheroid body myopathy. Identifiers: Orphanet 266, Orphanet 268129, MedGen C3714934, MONDO:0012215, OMIM 609200.

Allele frequency attached by ClinVar (database versions not stated): gnomAD exomes below 0.00001 and 0.00001; TOPMed below 0.00001; ExAC 0.00001.
gnomAD v4.1: 21 of 1,614,082 alleles (0.0013%); highest among the groups gnomAD compares: Non-Finnish European, 0.0018%; no homozygotes.

Submissions (2):

Revvity Omics, Revvity
Classification: Uncertain significance for Myofibrillar myopathy 3. Last evaluated: 2019-06-17. Review status: criteria provided, single submitter. Criteria: ACMG Guidelines, 2015. Collection method: clinical testing. Allele origin: germline.

Labcorp Genetics (formerly Invitae), Labcorp
Classification: Uncertain significance for Myofibrillar myopathy 3. Last evaluated: 2019-01-25. Review status: criteria provided, single submitter. Criteria: Invitae Variant Classification Sherloc (09022015). Collection method: clinical testing. Allele origin: germline.
Comment: In summary, the available evidence is currently insufficient to determine the role of this variant in disease. Therefore, it has been classified as a Variant of Uncertain Significance. Algorithms developed to predict the effect of missense changes on protein structure and function are either unavailable or do not agree on the potential impact of this missense change (SIFT: "Tolerated"; PolyPhen-2: "Probably Damaging"; Align-GVGD: "Class C0"). This variant has not been reported in the literature in individuals with MYOT-related conditions. This variant is present in population databases (rs748921791, ExAC 0.001%). This sequence change replaces valine with alanine at codon 473 of the MYOT protein (p.Val473Ala). The valine residue is moderately conserved and there is a small physicochemical difference between valine and alanine.